The following is an entry in ClinVar:

NM_006060.6(IKZF1):c.1326C>T (p.Ser442=)

Gene: IKZF1 (IKAROS family zinc finger 1; plus strand). Cytogenetic location: 7p12.2.
Variant type: single nucleotide variant.
Coding change: c.1326C>T on transcript NM_006060.6 (MANE Select); coding-DNA position 1326, C replaced by T.
Protein change: p.Ser442=; no amino-acid change (serine 442 retained).
Molecular consequence: synonymous variant.
Genome position (GRCh38, 1-based): chr7:50,400,393, C>T. VCF-style: chr7-50400393-C-T. GRCh37 (hg19) VCF-style: chr7-50468091-C-T.
Other names: c.1200C>T, p.Ser400= (NM_001220765.3, NM_001291837.2); c.1035C>T, p.Ser345= (NM_001220767.2); c.1065C>T, p.Ser355= (NM_001220768.2, NM_001291838.2); c.909C>T, p.Ser303= (NM_001220770.2); c.897C>T, p.Ser299= (NM_001220771.2, NM_001291841.1); c.939C>T, p.Ser313= (NM_001291839.2); c.636C>T, p.Ser212= (NM_001291840.1); c.867C>T, p.Ser289= (NM_001291842.1); and 3 more.
Identifiers: ClinVar variation 2782188 (VCV002782188.3), dbSNP rs760864891, ClinGen allele CA455161297.
Genomic context (GRCh38, chr7:50,400,393, plus strand): 5'-GCGCAACGGGCTGTCGCTCAAGGAGGAGCACCGCGCCTACGACCTGCTGCGCGCCGCCTC[C>T]GAGAACTCGCAGGACGCGCTCCGCGTGGTCAGCACCAGCGGGGAGCAGATGAAGGTGTAC-3'
Protein context (NP_006051.1, residues 432-452): HRAYDLLRAA[Ser442=]ENSQDALRVV

ClinVar aggregate classification (germline): Uncertain significance (1 of 4 stars; one submission).

Allele frequency attached by ClinVar (database versions not stated): gnomAD exomes below 0.00001; TOPMed below 0.00001; gnomAD 0.00001.
gnomAD v4.1: 4 of 1,613,350 alleles (0.00025%); highest among the groups gnomAD compares: Non-Finnish European, 0.00034%; no homozygotes.

Submission:

Labcorp Genetics (formerly Invitae), Labcorp
Classification: Uncertain significance. Last evaluated: 2022-12-15. Review status: criteria provided, single submitter. Criteria: Invitae Variant Classification Sherloc (09022015). Collection method: clinical testing. Allele origin: germline.
Comment: In summary, the available evidence is currently insufficient to determine the role of this variant in disease. Therefore, it has been classified as a Variant of Uncertain Significance. Experimental studies and prediction algorithms are not available or were not evaluated, and the effect of this variant on mRNA splicing is currently unknown. This variant has not been reported in the literature in individuals affected with IKZF1-related conditions. This variant is not present in population databases (gnomAD no frequency). This sequence change affects codon 442 of the IKZF1 mRNA. It is a 'silent' change, meaning that it does not change the encoded amino acid sequence of the IKZF1 protein.